The following is an entry in ClinVar:

ClinVar aggregate classification (germline): Uncertain significance. Review status: criteria provided, multiple submitters, no conflicts (2 of 4 stars). 2 submissions from 2 submitters: Uncertain significance (2). Last evaluated 2024-08-27.

Conditions:
Hereditary cancer-predisposing syndrome. Also called: Neoplastic Syndromes, Hereditary; Tumor predisposition; Hereditary neoplastic syndrome; Hereditary Cancer Syndrome. Identifiers: Orphanet 140162, MedGen C0027672, MeSH D009386, MONDO:0015356.

Allele frequency attached by ClinVar (database versions not stated): gnomAD exomes below 0.00001 and 0.00001; ExAC 0.00002; ESP Exome Variant Server 0.00008.
gnomAD v4.1: 1 of 1,613,974 alleles (0.000062%); highest among the groups gnomAD compares: Non-Finnish European, 0.000085%; no homozygotes.

Submissions (2):

Ambry Genetics
Classification: Uncertain significance for Hereditary cancer-predisposing syndrome. Last evaluated: 2024-08-27. Review status: criteria provided, single submitter. Criteria: Ambry Variant Classification Scheme 2023. Collection method: clinical testing. Allele origin: germline.
Comment: The p.P259A variant (also known as c.775C>G), located in coding exon 5 of the NTHL1 gene, results from a C to G substitution at nucleotide position 775. The proline at codon 259 is replaced by alanine, an amino acid with highly similar properties. This amino acid position is well conserved in available vertebrate species. In addition, this alteration is predicted to be tolerated by in silico analysis. Since supporting evidence is limited at this time, the clinical significance of this alteration remains unclear.

Sema4
Classification: Uncertain significance for Hereditary cancer-predisposing syndrome. Last evaluated: 2021-09-11. Review status: criteria provided, single submitter. Criteria: Sema4 Curation Guidelines. Collection method: curation. Allele origin: germline.
Comment: The NTHL1 c.775C>G (p.P259A) variant has not been reported in the literature to our knowledge. It was observed in 1/16246 chromosomes of the African subpopulation in the large and broad cohorts of the Genome Aggregation Database (PMID: 32461654) and has been reported in ClinVar (Variation ID 827244). Functional studies have not been performed, and in silico predictions of the variant's effect on protein function are inconclusive. The evidence is insufficient to meet ACMG/AMP criteria for classifying the variant as benign or pathogenic. Thus, the clinical significance of this variant is currently uncertain.

NM_002528.7(NTHL1):c.751C>G (p.Pro251Ala)

Gene: NTHL1 (nth like DNA glycosylase 1; minus strand). Cytogenetic location: 16p13.3.
Variant type: single nucleotide variant.
Coding change: c.751C>G on transcript NM_002528.7 (MANE Select); coding-DNA position 751, C replaced by G.
Protein change: p.Pro251Ala; replaces proline 251 with alanine.
Molecular consequence: missense variant.
Genome position (GRCh38, 1-based): chr16:2,040,173, G>C on the plus strand (C>G on the coding strand, the complement: NTHL1 is on the minus strand). VCF-style: chr16-2040173-G-C. GRCh37 (hg19) VCF-style: chr16-2090174-G-C.
Other names: c.580C>G, p.Pro194Ala (NM_001318193.2); c.421C>G, p.Pro141Ala (NM_001318194.2); short protein forms P141A, P251A, P194A.
Identifiers: ClinVar variation 827244 (VCV000827244.6), dbSNP rs367765503, ClinGen allele CA7828127.